The following is an entry in ClinVar:

NM_007294.4(BRCA1):c.47A>G (p.Asn16Ser)

Gene: BRCA1 (BRCA1 DNA repair associated; minus strand). Cytogenetic location: 17q21.31.
Variant type: single nucleotide variant.
Coding change: c.47A>G on transcript NM_007294.4 (MANE Select); coding-DNA position 47, A replaced by G.
Protein change: p.Asn16Ser; replaces asparagine 16 with serine.
Molecular consequence: missense variant. On other transcripts: 5 prime UTR variant (1), non-coding transcript variant (1).
Genome position (GRCh38, 1-based): chr17:43,124,050, T>C on the plus strand (A>G on the coding strand, the complement: BRCA1 is on the minus strand). VCF-style: chr17-43124050-T-C. GRCh37 (hg19) VCF-style: chr17-41276067-T-C.
Other names: c.-142A>G (NM_001407571.1, NM_001407853.1, NM_001407879.1 and 46 more transcripts); c.47A>G, p.Asn16Ser (NM_001407581.1, NM_001407582.1, NM_001407583.1 and 193 more transcripts); c.-211A>G (NM_001407694.1, NM_001407724.1, NM_001407727.1 and 11 more transcripts); c.-215A>G (NM_001407695.1, NM_001408465.1); c.-356A>G (NM_001407696.1); c.-240A>G (NM_001407697.1, NM_001407846.1, NM_001407920.1); c.-41A>G (NM_001407698.1, NM_001407732.1, NM_001407736.1 and 23 more transcripts); c.-214A>G (NM_001407725.1, NM_001407730.1, NM_001407734.1 and 22 more transcripts); and 8 more; short protein forms N16S.
Identifiers: ClinVar variation 868728 (VCV000868728.3), dbSNP rs2055729319, ClinGen allele CA10602065.

Conditions:
Breast-ovarian cancer, familial, susceptibility to, 1 (BROVCA1). Also called: BRCA1 Hereditary Breast and Ovarian Cancer; OVARIAN CANCER, SUSCEPTIBILITY TO. Identifiers: Orphanet 145, MedGen C2676676, MONDO:0011450, OMIM 604370. Disease mechanism: loss of function.

Submission:

Brotman Baty Institute, University of Washington
No classification provided (evidence only). Condition: Breast-ovarian cancer, familial 1. Review status: no classification provided. Collection method: in vitro. Allele origin: not applicable. Functional consequence: functionally_normal.
ClinVar note: "not provided" was previously submitted as the classification for the variant. However, the classification appeared to be based only on an observation of functional data so it was converted to no classification on 2025-07-30.